The following is an entry in ClinVar:

ClinVar aggregate classification (germline): Uncertain significance (1 of 4 stars; one submission).

Submission:

GeneDx
Classification: Uncertain significance. Last evaluated: 2024-11-05. Review status: criteria provided, single submitter. Criteria: GeneDx Variant Classification Process June 2021. Collection method: clinical testing. Allele origin: germline. Affected: yes.
Comment: Not observed at significant frequency in large population cohorts (gnomAD); In silico analysis supports that this missense variant has a deleterious effect on protein structure/function; Has not been previously published as pathogenic or benign to our knowledge; In silico analysis suggests this variant may impact gene splicing. In the absence of RNA/functional studies, the actual effect of this sequence change is unknown..

NM_001197104.2(KMT2A):c.5650G>A (p.Asp1884Asn)

Gene: KMT2A (lysine methyltransferase 2A; plus strand). Cytogenetic location: 11q23.3.
Variant type: single nucleotide variant.
Coding change: c.5650G>A on transcript NM_001197104.2 (MANE Select); coding-DNA position 5650, G replaced by A.
Protein change: p.Asp1884Asn; replaces aspartic acid 1884 with asparagine.
Molecular consequence: missense variant.
Genome position (GRCh38, 1-based): chr11:118,496,353, G>A. VCF-style: chr11-118496353-G-A. GRCh37 (hg19) VCF-style: chr11-118367068-G-A.
Other names: c.5740G>A, p.Asp1914Asn (NM_001412597.1); c.5641G>A, p.Asp1881Asn (NM_005933.4); short protein forms D1881N, D1884N, D1914N.
Identifiers: ClinVar variation 3897158 (VCV003897158.1).